The following is an entry in ClinVar:

ClinVar aggregate classification (germline): Uncertain significance (1 of 4 stars; one submission).

Conditions:
Hereditary cancer-predisposing syndrome. Also called: Hereditary neoplastic syndrome; Tumor predisposition; Hereditary Cancer Syndrome; Neoplastic Syndromes, Hereditary. Identifiers: Orphanet 140162, MedGen C0027672, MeSH D009386, MONDO:0015356.

Submission:

Ambry Genetics
Classification: Uncertain significance for Hereditary cancer-predisposing syndrome. Last evaluated: 2025-10-12. Review status: criteria provided, single submitter. Criteria: Ambry Variant Classification Scheme 2023. Collection method: clinical testing. Allele origin: germline.
Comment: The p.F534L variant (also known as c.1602T>G), located in coding exon 11 of the MSH3 gene, results from a T to G substitution at nucleotide position 1602. The phenylalanine at codon 534 is replaced by leucine, an amino acid with highly similar properties. This amino acid position is conserved. In addition, this alteration is predicted to be tolerated by in silico analysis. Since supporting evidence is limited at this time, the clinical significance of this alteration remains unclear.

NM_002439.5(MSH3):c.1602T>G (p.Phe534Leu)

Gene: MSH3 (mutS homolog 3; plus strand). Cytogenetic location: 5q14.1.
Variant type: single nucleotide variant.
Coding change: c.1602T>G on transcript NM_002439.5 (MANE Select); coding-DNA position 1602, T replaced by G.
Protein change: p.Phe534Leu; replaces phenylalanine 534 with leucine.
Molecular consequence: missense variant.
Genome position (GRCh38, 1-based): chr5:80,741,497, T>G. VCF-style: chr5-80741497-T-G. GRCh37 (hg19) VCF-style: chr5-80037316-T-G.
Other names: short protein forms F534L.
Identifiers: ClinVar variation 2586058 (VCV002586058.3), dbSNP rs751271017, ClinGen allele CA360274490.